The following is an entry in ClinVar:

NM_022089.4(ATP13A2):c.157G>A (p.Val53Met)

Gene: ATP13A2 (ATPase cation transporting 13A2; minus strand). Cytogenetic location: 1p36.13.
Variant type: single nucleotide variant.
Coding change: c.157G>A on transcript NM_022089.4 (MANE Select); coding-DNA position 157, G replaced by A.
Protein change: p.Val53Met; replaces valine 53 with methionine.
Molecular consequence: missense variant.
Genome position (GRCh38, 1-based): chr1:17,005,505, C>T on the plus strand (G>A on the coding strand, the complement: ATP13A2 is on the minus strand). VCF-style: chr1-17005505-C-T. GRCh37 (hg19) VCF-style: chr1-17332000-C-T.
Other names: c.157G>A, p.Val53Met (NM_001141973.3, NM_001141974.3); short protein forms V53M.
Identifiers: ClinVar variation 952316 (VCV000952316.10), dbSNP rs142699829, ClinGen allele CA637740.

ClinVar aggregate classification (germline): Uncertain significance. Review status: criteria provided, multiple submitters, no conflicts (2 of 4 stars). 4 submissions from 4 submitters: Uncertain significance (4). Last evaluated 2026-04-23.

Conditions:
Inborn genetic diseases. Identifiers: MedGen C0950123, MeSH D030342.
Kufor-Rakeb syndrome (KRS). Also called: PARKINSON DISEASE 9, AUTOSOMAL RECESSIVE, JUVENILE-ONSET. Identifiers: Orphanet 306674, Orphanet 314632, MedGen C1847640, MONDO:0011706, OMIM 606693.
Autosomal recessive spastic paraplegia type 78. Identifiers: Orphanet 513436, MedGen C5567893, MONDO:0014975, OMIM 617225.

Allele frequency attached by ClinVar (database versions not stated): gnomAD 0.00005 and 0.00006; TOPMed 0.00005; gnomAD exomes 0.00006; ESP Exome Variant Server 0.00008; ExAC 0.00010; 1000 Genomes Project 30x 0.00016; 1000 Genomes Project 0.00020.
gnomAD v4.1: 77 of 1,614,258 alleles (0.0048%); highest among the groups gnomAD compares: Non-Finnish European, 0.0057%; no homozygotes.

Submissions (4):

GeneDx
Classification: Uncertain significance. Last evaluated: 2026-04-23. Review status: criteria provided, single submitter. Criteria: GeneDx Variant Classification Process June 2021. Collection method: clinical testing. Allele origin: germline.
Comment: Reported as a heterozygous variant in a patient with early onset Parkinson disease in the published literature; however, a second variant in ATP13A2 was not reported (Laurini L et al. 2023. Brazilian Journal of Health Review 6(6):28216-28233); In silico analysis suggests that this missense variant does not alter protein structure/function; Not observed at significant frequency in large population cohorts (gnomAD); This variant is associated with the following publications: (PMID: Laurini2023)

Labcorp Genetics (formerly Invitae), Labcorp
Classification: Uncertain significance for Kufor-Rakeb syndrome; Autosomal recessive spastic paraplegia type 78. Last evaluated: 2022-08-21. Review status: criteria provided, single submitter. Criteria: Invitae Variant Classification Sherloc (09022015). Collection method: clinical testing. Allele origin: germline.
Comment: This variant has not been reported in the literature in individuals affected with ATP13A2-related conditions. This variant is present in population databases (rs142699829, gnomAD 0.01%). This sequence change replaces valine, which is neutral and non-polar, with methionine, which is neutral and non-polar, at codon 53 of the ATP13A2 protein (p.Val53Met). ClinVar contains an entry for this variant (Variation ID: 952316). In summary, the available evidence is currently insufficient to determine the role of this variant in disease. Therefore, it has been classified as a Variant of Uncertain Significance. Advanced modeling of protein sequence and biophysical properties (such as structural, functional, and spatial information, amino acid conservation, physicochemical variation, residue mobility, and thermodynamic stability) performed at Invitae indicates that this missense variant is not expected to disrupt ATP13A2 protein function.

Blueprint Genetics
Classification: Uncertain significance. Last evaluated: 2020-03-26. Review status: criteria provided, single submitter. Criteria: ACMG Guidelines, 2015. Collection method: clinical testing. Allele origin: germline.

Ambry Genetics
Classification: Uncertain significance for Inborn genetic diseases. Last evaluated: 2018-12-06. Review status: criteria provided, single submitter. Criteria: Ambry Variant Classification Scheme 2023. Collection method: clinical testing. Allele origin: germline.
Comment: The p.V53M variant (also known as c.157G>A), located in coding exon 3 of the ATP13A2 gene, results from a G to A substitution at nucleotide position 157. The valine at codon 53 is replaced by methionine, an amino acid with highly similar properties. This amino acid position is not well conserved in available vertebrate species. In addition, this alteration is predicted to be tolerated by in silico analysis. Since supporting evidence is limited at this time, the clinical significance of this alteration remains unclear.